The following is an entry in ClinVar:

NM_001876.4(CPT1A):c.727C>T (p.Arg243Ter)

Gene: CPT1A (carnitine palmitoyltransferase 1A; minus strand). Cytogenetic location: 11q13.3.
Variant type: single nucleotide variant.
Coding change: c.727C>T on transcript NM_001876.4 (MANE Select); coding-DNA position 727, C replaced by T.
Protein change: p.Arg243Ter; replaces arginine 243 with a stop codon.
Molecular consequence: nonsense.
Genome position (GRCh38, 1-based): chr11:68,796,900, G>A on the plus strand (C>T on the coding strand, the complement: CPT1A is on the minus strand). VCF-style: chr11-68796900-G-A. GRCh37 (hg19) VCF-style: chr11-68564368-G-A.
Other names: c.727C>T, p.Arg243Ter (NM_001031847.3); short protein forms R243*.
Identifiers: ClinVar variation 370429 (VCV000370429.11), dbSNP rs779893091, ClinGen allele CA16041541.

ClinVar aggregate classification (germline): Pathogenic/Likely pathogenic. Review status: criteria provided, multiple submitters, no conflicts (2 of 4 stars). 6 submissions from 6 submitters: Pathogenic (1); Likely pathogenic (4). 1 of the submissions does not count toward it. Last evaluated 2025-06-12.

Conditions:
Carnitine palmitoyl transferase 1A deficiency. Also called: Carnitine palmitoyltransferase 1A deficiency; Carnitine palmitoyltransferase type I deficiency; CPT I DEFICIENCY; CPT DEFICIENCY, HEPATIC, TYPE I; CPT deficiency, hepatic, type IA. Identifiers: Orphanet 156, MedGen C1829703, MONDO:0009705, OMIM 255120.

Allele frequency attached by ClinVar (database versions not stated): gnomAD 0.00001.

Submissions (6):

Variantyx, Inc.
Classification: Likely pathogenic for Carnitine palmitoyl transferase 1A deficiency. Last evaluated: 2025-06-12. Review status: criteria provided, single submitter. Criteria: Variantyx Assertion Criteria 2022. Collection method: clinical testing. Allele origin: germline. Inheritance: Autosomal recessive inheritance. Affected: no.
Comment: This is a nonsense variant in the CPT1A gene (OMIM: 600528). Pathogenic variants in this gene have been associated with autosomal recessive hepatic CPT deficiency type IA. This variant introduces a premature termination codon in exon 7 out of 19 and is expected to result in loss of function, which is a known disease mechanism for CPT1A in this disorder (PMID: 16169268) (PVS1). It has a 0.0011% maximum allele frequency in non-founder control populations (PM2). Based on the current evidence, this variant is classified as likely pathogenic for autosomal recessive hepatic CPT deficiency type IA.

Natera, Inc.
Classification: Likely pathogenic for Carnitine palmitoyltransferase type I deficiency. Last evaluated: 2024-04-03. Review status: criteria provided, single submitter. Criteria: Natera Variant Classification Schema (03/2026). Collection method: clinical testing. Allele origin: germline.
Comment: The c.727C>T variant in CPT1A is a nonsense variant predicted to introduce a stop codon at amino acid 243. This variant is expected to result in nonsense mediated decay, truncation, or a dysfunctional protein product. This variant is rare in the general population with a frequency below the threshold expected for the associated phenotype(s). Given the available evidence, this variant is classified as Likely Pathogenic.

Labcorp Genetics (formerly Invitae), Labcorp
Classification: Pathogenic for Carnitine palmitoyl transferase 1A deficiency. Last evaluated: 2023-06-24. Review status: criteria provided, single submitter. Criteria: Invitae Variant Classification Sherloc (09022015). Collection method: clinical testing. Allele origin: germline.
Comment: For these reasons, this variant has been classified as Pathogenic. ClinVar contains an entry for this variant (Variation ID: 370429). This variant has not been reported in the literature in individuals affected with CPT1A-related conditions. This variant is present in population databases (no rsID available, gnomAD 0.01%). This sequence change creates a premature translational stop signal (p.Arg243*) in the CPT1A gene. It is expected to result in an absent or disrupted protein product. Loss-of-function variants in CPT1A are known to be pathogenic (PMID: 16169268).

Women's Health and Genetics/Laboratory Corporation of America, LabCorp
Classification: Likely pathogenic for Carnitine palmitoyl transferase 1A deficiency. Last evaluated: 2022-09-28. Review status: criteria provided, single submitter. Criteria: LabCorp Variant Classification Summary - May 2015. Collection method: clinical testing. Allele origin: germline.
Comment: Variant summary: CPT1A c.727C>T (p.Arg243X) results in a premature termination codon, predicted to cause a truncation of the encoded protein or absence of the protein due to nonsense mediated decay, which are commonly known mechanisms for disease. Truncations downstream of this position have been associated with Carnitine Palmitoyltransferase I Deficiency in HGMD . The variant allele was found at a frequency of 4e-06 in 250902 control chromosomes. c.727C>T has been reported in the literature in one compound heterozygous individual biochemically diagnosed with Carnitine Palmitoyltransferase I Deficiency (Chien_2013). To our knowledge, no experimental evidence demonstrating an impact on protein function has been reported. One clinical diagnostic laboratory has submitted clinical-significance assessments for this variant to ClinVar after 2014 and classified as likely pathogenic. Based on the evidence outlined above, the variant was classified as likely pathogenic.

Baylor Genetics
Classification: Likely pathogenic for Carnitine palmitoyl transferase 1A deficiency. Review status: criteria provided, single submitter. Criteria: ACMG Guidelines, 2015. Collection method: clinical testing. Allele origin: germline.

Counsyl
Classification: Likely pathogenic for Carnitine palmitoyl transferase 1A deficiency. Last evaluated: 2016-02-08. Review status: no assertion criteria provided. Collection method: clinical testing. Allele origin: unknown. Not counted in ClinVar's aggregate classification.

Literature cited by the submitters: PubMed 16169268 (cited by Variantyx, Inc. and Labcorp Genetics (formerly Invitae), Labcorp); PubMed 23700290 (cited by Women's Health and Genetics/Laboratory Corporation of America, LabCorp).